The following is an entry in ClinVar:

NM_004380.3(CREBBP):c.1969A>G (p.Lys657Glu)

Gene: CREBBP (CREB binding protein; minus strand). Cytogenetic location: 16p13.3.
Variant type: single nucleotide variant.
Coding change: c.1969A>G on transcript NM_004380.3 (MANE Select); coding-DNA position 1969, A replaced by G.
Protein change: p.Lys657Glu; replaces lysine 657 with glutamic acid.
Molecular consequence: missense variant.
Genome position (GRCh38, 1-based): chr16:3,778,155, T>C on the plus strand (A>G on the coding strand, the complement: CREBBP is on the minus strand). VCF-style: chr16-3778155-T-C. GRCh37 (hg19) VCF-style: chr16-3828156-T-C.
Other names: c.1855A>G, p.Lys619Glu (NM_001079846.1); short protein forms K657E, K619E.
Identifiers: ClinVar variation 429521 (VCV000429521.4), dbSNP rs1131691431, ClinGen allele CA394554861.
Genomic context (GRCh38, chr16:3,778,155, plus strand): 5'-CTTGTTTATGTAAACGCGACCTCCGTTTTTCTTCTAGTTCTTTTTGTATCTTGTAGATTT[T>C]CTCTGCTAATAAGTGATAATATTCATCCTAAAAAGCAATAATATTCAATATGAAACAGTT-3'
Protein context (NP_004371.2, residues 647-667): RDEYYHLLAE[Lys657Glu]IYKIQKELEE

ClinVar aggregate classification (germline): Uncertain significance (1 of 4 stars; one submission).

Submission:

GeneDx
Classification: Uncertain significance. Last evaluated: 2021-11-17. Review status: criteria provided, single submitter. Criteria: GeneDx Variant Classification Process June 2021. Collection method: clinical testing. Allele origin: germline. Affected: yes.
Comment: Not observed at significant frequency in large population cohorts (Lek et al., 2016); In silico analysis supports that this missense variant has a deleterious effect on protein structure/function; Has not been previously published as pathogenic or benign to our knowledge